The following is an entry in ClinVar:

NM_000051.4(ATM):c.8430_8432del (p.Lys2811del)

Genes: ATM (ATM serine/threonine kinase; plus strand), C11orf65 (chromosome 11 open reading frame 65; minus strand). Cytogenetic location: 11q22.3.
Variant type: Deletion.
Coding change: c.8430_8432del on transcript NM_000051.4 (MANE Select); coding-DNA positions 8430 to 8432, 3 bases deleted (AAA; older notation c.8430_8432delAAA).
Protein change: p.Lys2811del; deletes lysine 2811.
Molecular consequence: inframe deletion. On other transcripts: inframe indel (1), intron variant (2).
Genome position (GRCh38, 1-based): chr11:108,345,754-108,345,756, AAA deleted; deleting any 3 consecutive bases within chr11:108,345,750-108,345,756 gives the same sequence; the c. name uses the placement nearest the transcript's 3' end. VCF-style (leftmost placement, unchanged base first): chr11-108345749-CAAA-C. GRCh37 (hg19) VCF-style: chr11-108216476-CAAA-C.
Other names: c.8430_8432delAAA, p.Lys2811del (NM_000051.3); c.8430_8432del, p.Lys2811del (NM_001351834.2); c.641-36681_641-36679del (NM_001330368.2); c.695-10460_695-10458del (NM_001351110.2); short protein forms K2811del.
Identifiers: ClinVar variation 479090 (VCV000479090.20), dbSNP rs587782558, ClinGen allele CA645598133.

ClinVar aggregate classification (germline): Uncertain significance. Review status: criteria provided, multiple submitters, no conflicts (2 of 4 stars). 4 submissions from 4 submitters: Uncertain significance (4). Last evaluated 2024-04-29.

Conditions:
Hereditary cancer-predisposing syndrome. Also called: Neoplastic Syndromes, Hereditary; Hereditary Cancer Syndrome; Tumor predisposition; Hereditary neoplastic syndrome. Identifiers: Orphanet 140162, MedGen C0027672, MeSH D009386, MONDO:0015356.
Ataxia-telangiectasia syndrome (AT). Also called: LOUIS-BAR SYNDROME; Cerebello-oculocutaneous telangiectasia; Immunodeficiency with ataxia telangiectasia; Ataxia-telangiectasia, complementation group D; AT, COMPLEMENTATION GROUP C; Ataxia-telangiectasia, complementation group E. Identifiers: Orphanet 100, MedGen C0004135, MONDO:0008840, OMIM 208900.

Submissions (4):

Labcorp Genetics (formerly Invitae), Labcorp
Classification: Uncertain significance for Ataxia-telangiectasia syndrome. Last evaluated: 2024-04-29. Review status: criteria provided, single submitter. Criteria: Invitae Variant Classification Sherloc (09022015). Collection method: clinical testing. Allele origin: germline.
Comment: This variant, c.8430_8432del, results in the deletion of 1 amino acid(s) of the ATM protein (p.Lys2811del), but otherwise preserves the integrity of the reading frame. This variant is not present in population databases (gnomAD no frequency). This variant has not been reported in the literature in individuals affected with ATM-related conditions. ClinVar contains an entry for this variant (Variation ID: 479090). Experimental studies and prediction algorithms are not available or were not evaluated, and the functional significance of this variant is currently unknown. In summary, the available evidence is currently insufficient to determine the role of this variant in disease. Therefore, it has been classified as a Variant of Uncertain Significance.

Genome-Nilou Lab
Classification: Uncertain significance for Ataxia-telangiectasia syndrome. Last evaluated: 2021-06-10. Review status: criteria provided, single submitter. Criteria: ACMG Guidelines, 2015. Collection method: clinical testing. Allele origin: germline. Affected: no.

Ambry Genetics
Classification: Uncertain significance for Hereditary cancer-predisposing syndrome. Last evaluated: 2019-12-12. Review status: criteria provided, single submitter. Criteria: Ambry Variant Classification Scheme 2023. Collection method: clinical testing. Allele origin: germline.
Comment: The c.8430_8432delAAA variant (also known as p.K2811del) is located in coding exon 57 of the ATM gene. This variant results from an in-frame AAA deletion at nucleotide positions 8430 to 8432. This results in the in-frame deletion of a lysine residue at codon 2811. This amino acid position is not well conserved in available vertebrate species. Since supporting evidence is limited at this time, the clinical significance of this alteration remains unclear.

Blueprint Genetics
Classification: Uncertain significance. Last evaluated: 2018-10-15. Review status: criteria provided, single submitter. Criteria: ACMG Guidelines, 2015. Collection method: clinical testing. Allele origin: germline.